The following is an entry in ClinVar:

NM_053025.4(MYLK):c.5087T>C (p.Ile1696Thr)

Genes: MYLK (myosin light chain kinase; minus strand), MYLK-AS1 (MYLK antisense RNA 1; plus strand), LOC126806791 (MED14-independent group 3 enhancer GRCh37_chr3:123347871-123349070; plus strand). Cytogenetic location: 3q21.1.
Variant type: single nucleotide variant.
Coding change: c.5087T>C on transcript NM_053025.4 (MANE Select); coding-DNA position 5087, T replaced by C.
Protein change: p.Ile1696Thr; replaces isoleucine 1696 with threonine.
Molecular consequence: missense variant. On other transcripts: non-coding transcript variant (2), intron variant (2).
Genome position (GRCh38, 1-based): chr3:123,629,501, A>G on the plus strand (T>C on the coding strand, the complement: MYLK is on the minus strand). VCF-style: chr3-123629501-A-G. GRCh37 (hg19) VCF-style: chr3-123348348-A-G.
Other names: c.4559T>C, p.Ile1520Thr (NM_001321309.2); c.4880T>C, p.Ile1627Thr (NM_053026.4); c.4755-2560T>C (NM_053028.4); c.4962-2560T>C (NM_053027.4); short protein forms I1520T, I1627T, I1696T.
Identifiers: ClinVar variation 4810189 (VCV004810189.1).

ClinVar aggregate classification (germline): Uncertain significance (1 of 4 stars; one submission).

Conditions:
Aortic aneurysm, familial thoracic 7 (AAT7). Also called: AORTIC DISSECTION, FAMILIAL, WITH OR WITHOUT AORTIC ANEURYSM. Identifiers: MedGen C3151077, MONDO:0013418, OMIM 613780.

Submission:

Labcorp Genetics (formerly Invitae), Labcorp
Classification: Uncertain significance for Aortic aneurysm, familial thoracic 7. Last evaluated: 2025-11-25. Review status: criteria provided, single submitter. Criteria: Invitae Variant Classification Sherloc (09022015). Collection method: clinical testing. Allele origin: germline.
Comment: This sequence change replaces isoleucine, which is neutral and non-polar, with threonine, which is neutral and polar, at codon 1696 of the MYLK protein (p.Ile1696Thr). This variant is not present in population databases (gnomAD no frequency). This variant has not been reported in the literature in individuals affected with MYLK-related conditions. An algorithm developed to predict the effect of missense changes on protein structure and function (PolyPhen-2) suggests that this variant is likely to be tolerated. In summary, the available evidence is currently insufficient to determine the role of this variant in disease. Therefore, it has been classified as a Variant of Uncertain Significance.